The following is an entry in ClinVar:

ClinVar aggregate classification (germline): Pathogenic/Likely pathogenic. Review status: criteria provided, multiple submitters, no conflicts (2 of 4 stars). 3 submissions from 3 submitters: Pathogenic (2); Likely pathogenic (1). Last evaluated 2025-03-05.

Conditions:
C5ORF42 & CPLANE1-related disorders.
Joubert syndrome and related disorders. Identifiers: Orphanet 140874, MedGen C5679612, MONDO:0015369.

Allele frequency attached by ClinVar (database versions not stated): gnomAD exomes below 0.00001 and 0.00001; TOPMed 0.00001.

Submissions (3):

Labcorp Genetics (formerly Invitae), Labcorp
Classification: Pathogenic. Last evaluated: 2025-03-05. Review status: criteria provided, single submitter. Criteria: Invitae Variant Classification Sherloc (09022015). Collection method: clinical testing. Allele origin: germline.
Comment: This sequence change creates a premature translational stop signal (p.Leu808Valfs*7) in the CPLANE1 gene. It is expected to result in an absent or disrupted protein product. Loss-of-function variants in CPLANE1 are known to be pathogenic (PMID: 24178751, 26092869). This variant is present in population databases (no rsID available, gnomAD 0.004%). This variant has not been reported in the literature in individuals affected with CPLANE1-related conditions. ClinVar contains an entry for this variant (Variation ID: 473147). For these reasons, this variant has been classified as Pathogenic.

Women's Health and Genetics/Laboratory Corporation of America, LabCorp
Classification: Pathogenic for Joubert syndrome and related disorders. Last evaluated: 2024-08-13. Review status: criteria provided, single submitter. Criteria: LabCorp Variant Classification Summary - May 2015. Collection method: clinical testing. Allele origin: germline.
Comment: Variant summary: CPLANE1 c.2422_2423delCT (p.Leu808ValfsX7) results in a premature termination codon, predicted to cause a truncation of the encoded protein or absence of the protein due to nonsense mediated decay, which are commonly known mechanisms for disease. The variant allele was found at a frequency of 1.3e-05 in 156898 control chromosomes. To our knowledge, no occurrence of c.2422_2423delCT in individuals affected with Joubert Syndrome And Related Disorders and no experimental evidence demonstrating its impact on protein function have been reported. ClinVar contains an entry for this variant (Variation ID: 473147). Based on the evidence outlined above, the variant was classified as pathogenic.

Blueprint Genetics
Classification: Likely pathogenic for C5ORF42 & CPLANE1-related disorders. Last evaluated: 2021-07-12. Review status: criteria provided, single submitter. Criteria: ACMG Guidelines, 2015. Collection method: clinical testing. Allele origin: germline. Affected: yes. Observed: 3 variant alleles.

Literature cited by the submitters: PubMed 24178751 (cited by Labcorp Genetics (formerly Invitae), Labcorp); PubMed 26092869 (cited by Labcorp Genetics (formerly Invitae), Labcorp).

NM_001384732.1(CPLANE1):c.2422_2423del (p.Leu808fs)

Gene: CPLANE1 (ciliogenesis and planar polarity effector complex subunit 1; minus strand). Cytogenetic location: 5p13.2.
Variant type: Deletion.
Coding change: c.2422_2423del on transcript NM_001384732.1 (MANE Select); coding-DNA positions 2422 to 2423, 2 bases deleted (CT; older notation c.2422_2423delCT).
Protein change: p.Leu808fs; shifts the reading frame from leucine 808.
Molecular consequence: frameshift variant.
Genome position (GRCh38, 1-based): chr5:37,224,609-37,224,610, AG deleted on the plus strand (CT on the coding strand, the reverse complement: CPLANE1 is on the minus strand). VCF-style (leftmost placement, unchanged base first): chr5-37224608-CAG-C. GRCh37 (hg19) VCF-style: chr5-37224710-CAG-C.
Other names: c.2422_2423del, p.Leu808fs (NM_023073.4); c.2422_2423delCT (NM_023073.3, NM_023073.4); short protein forms L808fs.
Identifiers: ClinVar variation 473147 (VCV000473147.9), dbSNP rs1242532564, ClinGen allele CA559295731.